The following is an entry in ClinVar:

NM_001161352.2(KCNMA1):c.378+332A>C

Gene: KCNMA1 (potassium calcium-activated channel subfamily M alpha 1; minus strand). Cytogenetic location: 10q22.3.
Variant type: single nucleotide variant.
Coding change: c.378+332A>C on transcript NM_001161352.2 (MANE Select); 332 bases into the intron after coding-DNA position 378, A replaced by C.
Molecular consequence: intron variant. On other transcripts: missense variant (2).
Genome position (GRCh38, 1-based): chr10:77,636,933, T>G on the plus strand (A>C on the coding strand, the complement: KCNMA1 is on the minus strand). VCF-style: chr10-77636933-T-G. GRCh37 (hg19) VCF-style: chr10-79396691-T-G.
Other names: c.452A>C, p.Gln151Pro (NM_001271520.2, NM_001322839.2); c.378+332A>C (NM_001271518.2, NM_001322832.2, NM_001410940.1 and 13 more transcripts); short protein forms Q151P.
Identifiers: ClinVar variation 4993948 (VCV004993948.1).

ClinVar aggregate classification (germline): Uncertain significance (1 of 4 stars; one submission).

Conditions:
KCNMA1-related disorder. Also called: KCNMA1-related disorders; KCNMA1-related condition.

Submission:

PreventionGenetics, part of Exact Sciences
Classification: Uncertain significance for KCNMA1-related condition. Last evaluated: 2026-03-05. Review status: criteria provided, single submitter. Criteria: ACMG Guidelines, 2015. Collection method: clinical testing. Allele origin: germline.
Comment: The KCNMA1 c.452A>C variant is predicted to result in the amino acid substitution p.Gln151Pro. To our knowledge, this variant has not been reported in the literature or in a large population database (gnomAD), indicating this variant is rare. On the primary transcript, this variant is located in an intron (NM_002247:c.378+332A>C). At this time, the clinical significance of this variant is uncertain due to the absence of conclusive functional and genetic evidence.